The following is an entry in ClinVar:

NM_001378452.1(ITPR1):c.7793T>A (p.Ile2598Asn)

Genes: ITPR1 (inositol 1,4,5-trisphosphate receptor type 1; plus strand), LOC126806590 (MED14-independent group 3 enhancer GRCh37_chr3:4855759-4856958; plus strand). Cytogenetic location: 3p26.1.
Variant type: single nucleotide variant.
Coding change: c.7793T>A on transcript NM_001378452.1 (MANE Select); coding-DNA position 7793, T replaced by A.
Protein change: p.Ile2598Asn; replaces isoleucine 2598 with asparagine.
Molecular consequence: missense variant.
Genome position (GRCh38, 1-based): chr3:4,815,144, T>A. VCF-style: chr3-4815144-T-A. GRCh37 (hg19) VCF-style: chr3-4856828-T-A.
Other names: c.7604T>A (NM_002222.5); c.7649T>A, p.Ile2550Asn (NM_001099952.4); c.7748T>A, p.Ile2583Asn (NM_001168272.2); c.7604T>A, p.Ile2535Asn (NM_002222.7); short protein forms I2550N, I2583N, I2535N, I2598N.
Identifiers: ClinVar variation 522562 (VCV000522562.2), dbSNP rs1553758021, ClinGen allele CA351649718.

ClinVar aggregate classification (germline): Pathogenic. Review status: criteria provided, single submitter (1 of 4 stars). 2 submissions from 2 submitters: Pathogenic (1). 1 of the submissions does not count toward it. Last evaluated 2025-04-11.

Conditions:
Gillespie syndrome (GLSP). Also called: Aniridia, cerebellar ataxia, and mental deficiency; Aniridia-cerebellar ataxia-intellectual disability syndrome. Identifiers: Orphanet 1065, MedGen C0431401, MONDO:0008795, OMIM 206700.

Submissions (2):

GeneDx
Classification: Pathogenic. Last evaluated: 2025-04-11. Review status: criteria provided, single submitter. Criteria: GeneDx Variant Classification Process June 2021. Collection method: clinical testing. Allele origin: germline. Affected: yes.
Comment: Not observed at significant frequency in large population cohorts (gnomAD); In silico analysis supports that this missense variant has a deleterious effect on protein structure/function; This variant is associated with the following publications: (PMID: 27862915, 32496011, 36305856)

OMIM
Classification: Pathogenic for GILLESPIE SYNDROME. Last evaluated: 2018-04-18. Review status: no assertion criteria provided. Collection method: literature only. Allele origin: germline. Not counted in ClinVar's aggregate classification.

Literature cited by the submitters: PubMed 27862915 (cited by OMIM).